The following is an entry in ClinVar:

NM_032888.4(COL27A1):c.619G>A (p.Val207Ile)

Gene: COL27A1 (collagen type XXVII alpha 1 chain; plus strand). Cytogenetic location: 9q32.
Variant type: single nucleotide variant.
Coding change: c.619G>A on transcript NM_032888.4 (MANE Select); coding-DNA position 619, G replaced by A.
Protein change: p.Val207Ile; replaces valine 207 with isoleucine.
Molecular consequence: missense variant.
Genome position (GRCh38, 1-based): chr9:114,168,174, G>A. VCF-style: chr9-114168174-G-A. GRCh37 (hg19) VCF-style: chr9-116930454-G-A.
Other names: c.619G>A (NM_032888.2); short protein forms V207I.
Identifiers: ClinVar variation 735619 (VCV000735619.14), dbSNP rs143912297, ClinGen allele CA5201191.

ClinVar aggregate classification (germline): Conflicting classifications of pathogenicity. Review status: criteria provided, conflicting classifications (1 of 4 stars). 3 submissions from 3 submitters: Uncertain significance (1); Likely benign (1). 1 of the submissions does not count toward it. Last evaluated 2026-01-26.

Conditions:
COL27A1-related disorder. Also called: COL27A1-related condition.
Inborn genetic diseases. Identifiers: MedGen C0950123, MeSH D030342.

Allele frequency attached by ClinVar (database versions not stated): gnomAD exomes 0.00015 and 0.00042; ExAC 0.00044; ESP Exome Variant Server 0.00115; 1000 Genomes Project 0.00120; 1000 Genomes Project 30x 0.00141; gnomAD 0.00149 and 0.00163; TOPMed 0.00162.
gnomAD v4.1: 450 of 1,613,764 alleles (0.028%); highest among the groups gnomAD compares: African/African-American, 0.53%; 2 homozygotes.

Submissions (3):

Labcorp Genetics (formerly Invitae), Labcorp
Classification: Likely benign. Last evaluated: 2026-01-26. Review status: criteria provided, single submitter. Criteria: Invitae Variant Classification Sherloc (09022015). Collection method: clinical testing. Allele origin: germline.

Ambry Genetics
Classification: Uncertain significance for Inborn genetic diseases. Last evaluated: 2025-06-07. Review status: criteria provided, single submitter. Criteria: Ambry Variant Classification Scheme 2023. Collection method: clinical testing. Allele origin: germline.

PreventionGenetics, part of Exact Sciences
Classification: Likely benign for COL27A1-related condition. Last evaluated: 2020-02-05. Review status: no assertion criteria provided. Collection method: clinical testing. Allele origin: germline. Not counted in ClinVar's aggregate classification.
Comment: This variant is classified as likely benign based on ACMG/AMP sequence variant interpretation guidelines (Richards et al. 2015 PMID: 25741868, with internal and published modifications).